The following is an entry in ClinVar:

NM_002458.3(MUC5B):c.7791C>T (p.Ser2597=)

Genes: MUC5B (mucin 5B, oligomeric mucus/gel-forming; plus strand), MUC5B-AS1 (MUC5B antisense RNA 1; minus strand). Cytogenetic location: 11p15.5.
Variant type: single nucleotide variant.
Coding change: c.7791C>T on transcript NM_002458.3 (MANE Select); coding-DNA position 7791, C replaced by T.
Protein change: p.Ser2597=; no amino-acid change (serine 2597 retained).
Molecular consequence: synonymous variant.
Genome position (GRCh38, 1-based): chr11:1,244,671, C>T. VCF-style: chr11-1244671-C-T. GRCh37 (hg19) VCF-style: chr11-1265901-C-T.
Identifiers: ClinVar variation 3905177 (VCV003905177.10).

ClinVar aggregate classification (germline): Likely benign (1 of 4 stars; one submission).

gnomAD v4.1: 399 of 1,612,114 alleles (0.025%); highest among the groups gnomAD compares: South Asian, 0.33%; 3 homozygotes.

Submission:

CeGaT Center for Human Genetics Tuebingen
Classification: Likely benign. Last evaluated: 2025-05-01. Review status: criteria provided, single submitter. Criteria: CeGaT Center For Human Genetics Tuebingen Variant Classification Criteria Version 2. Collection method: clinical testing. Allele origin: germline. Affected: yes. Observed: 1 variant allele.
Comment: MUC5B: BP4, BP7, BS1